The following is an entry in ClinVar:

ClinVar aggregate classification (germline): Uncertain significance. Review status: criteria provided, multiple submitters, no conflicts (2 of 4 stars). 2 submissions from 2 submitters: Uncertain significance (2). Last evaluated 2026-03-23.

Conditions:
Familial isolated arrhythmogenic right ventricular dysplasia. Identifiers: Orphanet 217656, MedGen C4274968, MONDO:0016342.
Cardiovascular phenotype. Identifiers: MedGen CN230736.

Submissions (2):

Ambry Genetics
Classification: Uncertain significance for Cardiovascular phenotype. Last evaluated: 2026-03-23. Review status: criteria provided, single submitter. Criteria: Ambry Variant Classification Scheme 2023. Collection method: clinical testing. Allele origin: germline.
Comment: The p.S93N variant (also known as c.278G>A), located in coding exon 3 of the DSC2 gene, results from a G to A substitution at nucleotide position 278. The serine at codon 93 is replaced by asparagine, an amino acid with highly similar properties. This amino acid position is conserved. In addition, this alteration is predicted to be tolerated by in silico analysis. Based on the available evidence, the clinical significance of this variant remains unclear.

All of Us Research Program, National Institutes of Health
Classification: Uncertain significance for Familial isolated arrhythmogenic right ventricular dysplasia. Last evaluated: 2023-11-20. Review status: criteria provided, single submitter. Criteria: ACMG Guidelines, 2015. Collection method: clinical testing. Allele origin: germline. Inheritance: Autosomal dominant inheritance. Observed: 1 variant allele, 1 heterozygote.
Comment: This missense variant replaces serine with asparagine at codon 93 of the DSC2 protein. Computational prediction suggests that this variant may not impact protein structure and function (internally defined REVEL score threshold <= 0.5, PMID: 27666373). To our knowledge, functional studies have not been reported for this variant. This variant has not been reported in individuals affected with DSC2-related disorders in the literature. This variant has not been identified in the general population by the Genome Aggregation Database (gnomAD). The available evidence is insufficient to determine the role of this variant in disease conclusively. Therefore, this variant is classified as a Variant of Uncertain Significance.

This study involves interpretation of variants in research participants for the purpose of population health screening. Participant phenotype was not available at the time of variant classification. Additional details can be found in publication PMID: 35346344, PMCID: PMC8962531

NM_024422.6(DSC2):c.278G>A (p.Ser93Asn)

Gene: DSC2 (desmocollin 2; minus strand). Cytogenetic location: 18q12.1.
Variant type: single nucleotide variant.
Coding change: c.278G>A on transcript NM_024422.6 (MANE Select); coding-DNA position 278, G replaced by A.
Protein change: p.Ser93Asn; replaces serine 93 with asparagine.
Molecular consequence: missense variant. On other transcripts: 5 prime UTR variant (2).
Genome position (GRCh38, 1-based): chr18:31,092,177, C>T on the plus strand (G>A on the coding strand, the complement: DSC2 is on the minus strand). VCF-style: chr18-31092177-C-T. GRCh37 (hg19) VCF-style: chr18-28672140-C-T.
Other names: c.278G>A (NM_024422.3); c.-152G>A (NM_001406506.1, NM_001406507.1); c.278G>A, p.Ser93Asn (NM_004949.5); short protein forms S93N.
Identifiers: ClinVar variation 3074527 (VCV003074527.2), dbSNP rs1987623727, ClinGen allele CA402114730.